The following is an entry in ClinVar:

NM_002788.4(PSMA3):c.590T>C (p.Ile197Thr)

Genes: PSMA3 (proteasome 20S subunit alpha 3; plus strand), PSMA3-AS1 (PSMA3 antisense RNA 1; minus strand). Cytogenetic location: 14q23.1.
Variant type: single nucleotide variant.
Coding change: c.590T>C on transcript NM_002788.4 (MANE Select); coding-DNA position 590, T replaced by C.
Protein change: p.Ile197Thr; replaces isoleucine 197 with threonine.
Molecular consequence: missense variant. On other transcripts: non-coding transcript variant (1).
Genome position (GRCh38, 1-based): chr14:58,267,520, T>C. VCF-style: chr14-58267520-T-C. GRCh37 (hg19) VCF-style: chr14-58734238-T-C.
Other names: c.569T>C, p.Ile190Thr (NM_152132.3); short protein forms I190T, I197T.
Identifiers: ClinVar variation 1912100 (VCV001912100.5), dbSNP rs142139987, ClinGen allele CA7203844.
Genomic context (GRCh38, chr14:58,267,520, plus strand): 5'-TTTATTTTCTATAGATGAAAGAAATGACCTGCCGTGATATCGTTAAAGAAGTTGCAAAAA[T>C]GTAAGTTGAAATTTTTCTTACCATCCACAAAAATATTTCATTTGACCTTTGCATATATAT-3'
Protein context (NP_002779.1, residues 187-207): CRDIVKEVAK[Ile197Thr]IYIVHDEVKD

ClinVar aggregate classification (germline): Uncertain significance (1 of 4 stars; one submission).

Allele frequency attached by ClinVar (database versions not stated): gnomAD 0.00001; gnomAD exomes 0.00002; TOPMed 0.00002; ExAC 0.00003; ESP Exome Variant Server 0.00008.
gnomAD v4.1: 24 of 1,575,658 alleles (0.0015%); highest among the groups gnomAD compares: Non-Finnish European, 0.002%; no homozygotes.

Submission:

Labcorp Genetics (formerly Invitae), Labcorp
Classification: Uncertain significance. Last evaluated: 2021-12-27. Review status: criteria provided, single submitter. Criteria: Invitae Variant Classification Sherloc (09022015). Collection method: clinical testing. Allele origin: germline.
Comment: This variant is present in population databases (rs142139987, gnomAD 0.004%). In summary, the available evidence is currently insufficient to determine the role of this variant in disease. Therefore, it has been classified as a Variant of Uncertain Significance. Algorithms developed to predict the effect of missense changes on protein structure and function (SIFT, PolyPhen-2, Align-GVGD) all suggest that this variant is likely to be disruptive. This variant has not been reported in the literature in individuals affected with PSMA3-related conditions. This sequence change replaces isoleucine, which is neutral and non-polar, with threonine, which is neutral and polar, at codon 197 of the PSMA3 protein (p.Ile197Thr).